The following is an entry in ClinVar:

GRCh37/hg19 16p11.2(chr16:29343245-30240227)x1

Genes: C16orf54 (chromosome 16 open reading frame 54; minus strand), KIF22 (kinesin family member 22; plus strand), MAPK3 (mitogen-activated protein kinase 3; minus strand), MAZ (MYC associated zinc finger protein; plus strand), C16orf92 (chromosome 16 open reading frame 92; plus strand) and 28 more. Cytogenetic location: 16p11.2.
Variant type: copy number loss.
Change: copy number 1 (one copy instead of two) of chr16:29,343,245-30,240,227 (897.0 kb, GRCh37 coordinates, 1-based), cytogenetic band 16p11.2.
Identifiers: ClinVar variation 2685568 (VCV002685568.1).

ClinVar aggregate classification (germline): Pathogenic (1 of 4 stars; one submission).

Submission:

Quest Diagnostics Nichols Institute San Juan Capistrano
Classification: Pathogenic. Last evaluated: 2022-12-17. Review status: criteria provided, single submitter. Criteria: ACMG/ClinGen CNV Guidelines, 2019. Collection method: clinical testing. Allele origin: unknown.
Comment: This copy number loss involves several genes including TBX6 (OMIM 602427) and is associated with the proximal (BP4-BP5) 16p11.2 microdeletion syndrome (OMIM 611913, Rehm et al., N Engl J Med. 2015 Jun 4;372(23):2235-42. PMID: 26014595 (ISCA-37400)). Inheritance from a normal or mildly affected parent has been reported, suggesting incomplete penetrance and variable expressivity. See GeneReviews for additional information and references.